The following is an entry in ClinVar:

ClinVar aggregate classification (germline): Pathogenic/Likely pathogenic. Review status: criteria provided, multiple submitters, no conflicts (2 of 4 stars). 2 submissions from 2 submitters: Pathogenic (1); Likely pathogenic (1). Last evaluated 2023-12-26.

Conditions:
Glycogen storage disease type III (GSD3). Also called: Cori disease; FORBES DISEASE. Identifiers: Orphanet 366, MedGen C0017922, MONDO:0009291, OMIM 232400.

gnomAD v4.1: 3 of 1,609,404 alleles (0.00019%); highest among the groups gnomAD compares: East Asian, 0.0067%; no homozygotes.

Submissions (2):

Labcorp Genetics (formerly Invitae), Labcorp
Classification: Pathogenic for Glycogen storage disease type III. Last evaluated: 2023-12-26. Review status: criteria provided, single submitter. Criteria: Invitae Variant Classification Sherloc (09022015). Collection method: clinical testing. Allele origin: germline.
Comment: This sequence change falls in intron 26 of the AGL gene. It does not directly change the encoded amino acid sequence of the AGL protein. It affects a nucleotide within the consensus splice site. This variant is not present in population databases (gnomAD no frequency). This variant has been observed in individual(s) with clinical features of glycogen storage disease type III (Invitae). In at least one individual the data is consistent with being in trans (on the opposite chromosome) from a pathogenic variant. ClinVar contains an entry for this variant (Variation ID: 946692). Variants that disrupt the consensus splice site are a relatively common cause of aberrant splicing (PMID: 17576681, 9536098). Algorithms developed to predict the effect of sequence changes on RNA splicing suggest that this variant may disrupt the consensus splice site. For these reasons, this variant has been classified as Pathogenic.

Baylor Genetics
Classification: Likely pathogenic for Glycogen storage disease type III. Last evaluated: 2023-10-05. Review status: criteria provided, single submitter. Criteria: ACMG Guidelines, 2015. Collection method: clinical testing. Allele origin: unknown.

Literature cited by the submitters: PubMed 17576681 (cited by Labcorp Genetics (formerly Invitae), Labcorp); PubMed 9536098 (cited by Labcorp Genetics (formerly Invitae), Labcorp).

NM_000642.3(AGL):c.3589-3C>G

Gene: AGL (amylo-alpha-1,6-glucosidase and 4-alpha-glucanotransferase; plus strand). Cytogenetic location: 1p21.2.
Variant type: single nucleotide variant.
Coding change: c.3589-3C>G on transcript NM_000642.3 (MANE Select); 3 bases into the intron before coding-DNA position 3589, C replaced by G.
Molecular consequence: intron variant.
Genome position (GRCh38, 1-based): chr1:99,902,680, C>G. VCF-style: chr1-99902680-C-G. GRCh37 (hg19) VCF-style: chr1-100368236-C-G.
Other names: c.3541-3C>G (NM_000646.3); c.3568-3C>G (NM_001425326.1); c.3589-3C>G (NM_000643.3, NM_000644.3, NM_001425325.1 and 1 more transcripts); c.3388-3C>G (NM_001425327.1); c.3385-3C>G (NM_001425328.1); c.3250-3C>G (NM_001425329.1); c.3211-3C>G (NM_001425332.1).
Identifiers: ClinVar variation 946692 (VCV000946692.9), dbSNP rs1653935585, ClinGen allele CA1139656257.